The following is an entry in ClinVar:

ClinVar aggregate classification (germline): Uncertain significance (1 of 4 stars; one submission).

Submission:

Labcorp Genetics (formerly Invitae), Labcorp
Classification: Uncertain significance. Last evaluated: 2022-06-03. Review status: criteria provided, single submitter. Criteria: Invitae Variant Classification Sherloc (09022015). Collection method: clinical testing. Allele origin: germline.
Comment: In summary, the available evidence is currently insufficient to determine the role of this variant in disease. Therefore, it has been classified as a Variant of Uncertain Significance. Algorithms developed to predict the effect of sequence changes on RNA splicing suggest that this variant may disrupt the consensus splice site. ClinVar contains an entry for this variant (Variation ID: 1483870). This variant has not been reported in the literature in individuals affected with ITGAM-related conditions. This variant is not present in population databases (gnomAD no frequency). This sequence change falls in intron 3 of the ITGAM gene. It does not directly change the encoded amino acid sequence of the ITGAM protein.

NM_000632.4(ITGAM):c.239-6C>A

Genes: ITGAM (integrin subunit alpha M; plus strand), LOC126862331 (P300/CBP strongly-dependent group 1 enhancer GRCh37_chr16:31276375-31277574; plus strand). Cytogenetic location: 16p11.2.
Variant type: single nucleotide variant.
Coding change: c.239-6C>A on transcript NM_000632.4 (MANE Select); 6 bases into the intron before coding-DNA position 239, C replaced by A.
Molecular consequence: intron variant.
Genome position (GRCh38, 1-based): chr16:31,265,805, C>A. VCF-style: chr16-31265805-C-A. GRCh37 (hg19) VCF-style: chr16-31277126-C-A.
Other names: c.239-6C>A (NM_001145808.2).
Identifiers: ClinVar variation 1483870 (VCV001483870.6), dbSNP rs960544394, ClinGen allele CA2573152299.